The following is an entry in ClinVar:

ClinVar aggregate classification (germline): Uncertain significance (1 of 4 stars; one submission).

Allele frequency attached by ClinVar (database versions not stated): ESP Exome Variant Server 0.00008.
gnomAD v4.1: 32 of 1,600,650 alleles (0.002%); highest among the groups gnomAD compares: Non-Finnish European, 0.0026%; no homozygotes.

Submission:

Labcorp Genetics (formerly Invitae), Labcorp
Classification: Uncertain significance. Last evaluated: 2023-10-05. Review status: criteria provided, single submitter. Criteria: Invitae Variant Classification Sherloc (09022015). Collection method: clinical testing. Allele origin: germline.
Comment: This sequence change replaces serine, which is neutral and polar, with phenylalanine, which is neutral and non-polar, at codon 1472 of the DSCAML1 protein (p.Ser1472Phe). The frequency data for this variant in the population databases is considered unreliable, as metrics indicate poor data quality at this position in the gnomAD database. This variant has not been reported in the literature in individuals affected with DSCAML1-related conditions. An algorithm developed to predict the effect of missense changes on protein structure and function (PolyPhen-2) suggests that this variant is likely to be tolerated. In summary, the available evidence is currently insufficient to determine the role of this variant in disease. Therefore, it has been classified as a Variant of Uncertain Significance.

NM_020693.4(DSCAML1):c.4235C>T (p.Ser1412Phe)

Gene: DSCAML1 (DS cell adhesion molecule like 1; minus strand). Cytogenetic location: 11q23.3.
Variant type: single nucleotide variant.
Coding change: c.4235C>T on transcript NM_020693.4 (MANE Select); coding-DNA position 4235, C replaced by T.
Protein change: p.Ser1412Phe; replaces serine 1412 with phenylalanine.
Molecular consequence: missense variant.
Genome position (GRCh38, 1-based): chr11:117,438,893, G>A on the plus strand (C>T on the coding strand, the complement: DSCAML1 is on the minus strand). VCF-style: chr11-117438893-G-A. GRCh37 (hg19) VCF-style: chr11-117309609-G-A.
Other names: short protein forms S1412F.
Identifiers: ClinVar variation 2990909 (VCV002990909.3), dbSNP rs368420277, ClinGen allele CA229403272.
Genomic context (GRCh38, chr11:117,438,893, plus strand): 5'-CGGGCCCAGAATTCCTTCCCCTATCTTCCCCCGCATCCAGACCCCTCCTCACCTCGGATG[G>A]AGCTGCCCCCATTGTCACCTGGAATCCAGGTCAGGGTGATGGACGAAGCTGAGGTTTTGG-3'
Protein context (NP_065744.3, residues 1402-1422): TWIPGDNGGS[Ser1412Phe]IRGFVLQYSV